The following is an entry in ClinVar:

ClinVar aggregate classification (germline): Uncertain significance (1 of 4 stars; one submission).

Conditions:
Hereditary cancer-predisposing syndrome. Also called: Neoplastic Syndromes, Hereditary; Tumor predisposition; Hereditary neoplastic syndrome; Hereditary Cancer Syndrome. Identifiers: Orphanet 140162, MedGen C0027672, MeSH D009386, MONDO:0015356.

gnomAD v4.1: 2 of 1,613,062 alleles (0.00012%); highest among the groups gnomAD compares: Non-Finnish European, 0.00017%; no homozygotes.

Submission:

Ambry Genetics
Classification: Uncertain significance for Hereditary cancer-predisposing syndrome. Last evaluated: 2025-05-10. Review status: criteria provided, single submitter. Criteria: Ambry Variant Classification Scheme 2023. Collection method: clinical testing. Allele origin: germline.
Comment: The p.P61T variant (also known as c.181C>A), located in coding exon 1 of the ALK gene, results from a C to A substitution at nucleotide position 181. The proline at codon 61 is replaced by threonine, an amino acid with highly similar properties. This amino acid position is highly conserved in available vertebrate species. In addition, this alteration is predicted to be deleterious by in silico analysis. Based on the available evidence, the clinical significance of this variant remains unclear.

NM_004304.5(ALK):c.181C>A (p.Pro61Thr)

Gene: ALK (ALK receptor tyrosine kinase; minus strand). Cytogenetic location: 2p23.1.
Variant type: single nucleotide variant.
Coding change: c.181C>A on transcript NM_004304.5 (MANE Select); coding-DNA position 181, C replaced by A.
Protein change: p.Pro61Thr; replaces proline 61 with threonine.
Molecular consequence: missense variant.
Genome position (GRCh38, 1-based): chr2:29,920,479, G>T on the plus strand (C>A on the coding strand, the complement: ALK is on the minus strand). VCF-style: chr2-29920479-G-T. GRCh37 (hg19) VCF-style: chr2-30143345-G-T.
Other names: short protein forms P61T.
Identifiers: ClinVar variation 4039561 (VCV004039561.1).